The following is an entry in ClinVar:

NM_004628.5(XPC):c.1001C>A (p.Pro334His)

Gene: XPC (XPC complex subunit, DNA damage recognition and repair factor; minus strand). Cytogenetic location: 3p25.1.
Variant type: single nucleotide variant.
Coding change: c.1001C>A on transcript NM_004628.5 (MANE Select); coding-DNA position 1001, C replaced by A.
Protein change: p.Pro334His; replaces proline 334 with histidine.
Molecular consequence: missense variant. On other transcripts: non-coding transcript variant (2).
Genome position (GRCh38, 1-based): chr3:14,158,882, G>T on the plus strand (C>A on the coding strand, the complement: XPC is on the minus strand). VCF-style: chr3-14158882-G-T. GRCh37 (hg19) VCF-style: chr3-14200382-G-T.
Other names: P218H; c.422C>A, p.Pro141His (NM_001354726.2); c.1001C>A, p.Pro334His (NM_001354727.2, NM_001354730.2); c.983C>A, p.Pro328His (NM_001354729.2); short protein forms P334H, P141H, P328H.
Identifiers: ClinVar variation 253 (VCV000000253.51), dbSNP rs74737358, ClinGen allele CA162922.
Genomic context (GRCh38, chr3:14,158,882, plus strand): 5'-AGAACTTGGCTGGAAGTTTCTGAGGAGCCTCCTGGATCCGCAGTCAATCTTTCCTTGGAA[G>T]GTTTCTTTCCCTTAAACAGAATAAGAAATTTTGCTTTTTTTTCTCCCCCCTCTTTTGCTA-3'
Protein context (NP_004619.3, residues 324-344): LKSATAKGKK[Pro334His]SKERLTADPG

ClinVar aggregate classification (germline): Benign/Likely benign. Review status: criteria provided, multiple submitters, no conflicts (2 of 4 stars). 12 submissions from 12 submitters: Benign (5); Likely benign (3). 4 of the submissions do not count toward it. Last evaluated 2026-07-01.

Conditions:
XPC-related disorder. Also called: XPC-related condition.
Xeroderma pigmentosum (XP). Identifiers: Orphanet 910, MedGen C0043346, MONDO:0019600.
Xeroderma pigmentosum, group C (XPC). Also called: XPC-Related Xeroderma Pigmentosum; Xeroderma pigmentosum, complementation group C; XERODERMA PIGMENTOSUM III; XP, GROUP C. Identifiers: Orphanet 910, MedGen C2752147, MONDO:0010211, OMIM 278720.

Allele frequency attached by ClinVar (database versions not stated): 1000 Genomes Project 30x 0.00640; TOPMed 0.00861; gnomAD 0.00740 and 0.00806; 1000 Genomes Project 0.00559.
gnomAD v4.1: 2,694 of 1,613,868 alleles (0.17%); highest among the groups gnomAD compares: African/African-American, 2.4%; 34 homozygotes.

Submissions (12):

CeGaT Center for Human Genetics Tuebingen
Classification: Likely benign. Last evaluated: 2026-07-01. Review status: criteria provided, single submitter. Criteria: CeGaT Center For Human Genetics Tuebingen Variant Classification Criteria Version 2. Collection method: clinical testing. Allele origin: germline. Affected: yes. Observed: 5 variant alleles.
Comment: XPC: BP4

Labcorp Genetics (formerly Invitae), Labcorp
Classification: Benign. Last evaluated: 2026-01-28. Review status: criteria provided, single submitter. Criteria: Invitae Variant Classification Sherloc (09022015). Collection method: clinical testing. Allele origin: germline.

Mendelics
Classification: Benign for Xeroderma pigmentosum, group C. Last evaluated: 2023-08-22. Review status: criteria provided, single submitter. Criteria: Mendelics Assertion Criteria 2019. Collection method: clinical testing. Allele origin: germline.

Women's Health and Genetics/Laboratory Corporation of America, LabCorp
Classification: Benign. Last evaluated: 2022-02-18. Review status: criteria provided, single submitter. Criteria: LabCorp Variant Classification Summary - May 2015. Collection method: clinical testing. Allele origin: germline.
Comment: Variant summary: XPC c.1001C>A (p.Pro334His) results in a non-conservative amino acid change in the encoded protein sequence. Four of five in-silico tools predict a benign effect of the variant on protein function. The variant allele was found at a frequency of 0.0026 in 247062 control chromosomes, predominantly at a frequency of 0.025 within the African or African-American subpopulation in the gnomAD database, including 5 homozygotes. The observed variant frequency within African or African-American control individuals in the gnomAD database is approximately 35 fold of the estimated maximal expected allele frequency for a pathogenic variant in XPC causing Xeroderma Pigmentosum phenotype (0.00071), strongly suggesting that the variant is a benign polymorphism found primarily in populations of African or African-American origin. c.1001C>A has been reported in the literature (example, Bonache_2018, Li_1993, Martin-Morales_2018, Maxwell_2016, Pugh_2019, Ramirez-Calvo_2019). These report(s) do not provide unequivocal conclusions about association of the variant with Xeroderma Pigmentosum. At least one publication reports experimental evidence evaluating an impact on protein function, however, does not allow convincing conclusions about the variant effect (example, BernardesdeJesus_2008, Bidon_2018). Five clinical diagnostic laboratories have submitted clinical-significance assessments for this variant to ClinVar after 2014 with a predominant consensus as benign/likely benign. Based on the evidence outlined above, the variant was classified as benign.

Department of Pathology and Laboratory Medicine, Sinai Health System
Classification: Likely benign for Xeroderma pigmentosum, group C. Last evaluated: 2020-09-01. Review status: criteria provided, single submitter. Criteria: ACMG Guidelines, 2015. Collection method: research. Allele origin: germline.

Sema4
Classification: Benign for Xeroderma pigmentosum. Last evaluated: 2020-03-26. Review status: criteria provided, single submitter. Criteria: Sema4 Curation Guidelines. Collection method: curation. Allele origin: germline.

GeneDx
Classification: Benign. Last evaluated: 2019-12-18. Review status: criteria provided, single submitter. Criteria: GeneDx Variant Classification Process June 2021. Collection method: clinical testing. Allele origin: germline. Affected: yes.
Comment: In silico analysis, which includes protein predictors and evolutionary conservation, supports that this variant does not alter protein structure/function; This variant is associated with the following publications: (PMID: 31589614, 18955168, 8298653, 25333069, 17079196, 29973595, 30516811, 30675318, 31816862, 24728327, 18809580, 30256826, 27153395)

Illumina Laboratory Services, Illumina
Classification: Likely benign for Xeroderma pigmentosum, group C. Last evaluated: 2017-04-27. Review status: criteria provided, single submitter. Criteria: ICSL Variant Classification Criteria 13 December 2019. Collection method: clinical testing. Allele origin: germline.
Comment: This variant was observed as part of a predisposition screen in an ostensibly healthy population. A literature search was performed for the gene, cDNA change, and amino acid change (where applicable). Publications were found based on this search. The evidence from the literature, in combination with allele frequency data from public databases where available, was sufficient to determine this variant is unlikely to cause disease. Therefore, this variant is classified as likely benign.

PreventionGenetics, part of Exact Sciences
Classification: Benign for XPC-related condition. Last evaluated: 2021-04-10. Review status: no assertion criteria provided. Collection method: clinical testing. Allele origin: germline. Not counted in ClinVar's aggregate classification.
Comment: This variant is classified as benign based on ACMG/AMP sequence variant interpretation guidelines (Richards et al. 2015 PMID: 25741868, with internal and published modifications).

Reproductive Health Research and Development, BGI Genomics
Classification: Uncertain significance for Xeroderma pigmentosum, group C. Last evaluated: 2020-01-06. Review status: no assertion criteria provided. Collection method: curation. Allele origin: germline. Not counted in ClinVar's aggregate classification.
Comment: NM_004628.4:c.1001C>A (p.Pro334His) was previously reported as P218H. This variant has an allele frequency of 0.026 in African subpopulation in the gnomAD database. It has been reported previously in individuals with Xeroderma Pigmentosum in homozygous state (PMID: 17079196, 17084680). Functional studies show p.Pro334His mutation prevents the stimulation of Ogg1 glycosylase because it thwarts the interaction between XPC and Ogg1 (PMID: 18809580). Benign computational verdict because benign predictions from DEOGEN2, EIGEN, FATHMM-MKL, MVP, MutationAssessor, MutationTaster, PrimateAI, REVEL and SIFT vs 1 pathogenic prediction from DANN and the position is not conserved. We interpret it as variant of uncertain significance (VUS). ACMG/AMP criteria applied: BS1, BP4, BP1, PS3, PM3_Supporting.

ITMI
No classification provided. Condition: AllHighlyPenetrant. Last evaluated: 2013-09-19. Review status: no classification provided. Collection method: reference population. Allele origin: germline. Not counted in ClinVar's aggregate classification.
Comment: Please see associated publication for description of ethnicities

OMIM
Classification: Pathogenic for XERODERMA PIGMENTOSUM, COMPLEMENTATION GROUP C. Last evaluated: 1993-12-01. Review status: no assertion criteria provided. Collection method: literature only. Allele origin: germline. Not counted in ClinVar's aggregate classification.

Literature cited by the submitters: PubMed 27153395 (cited by Women's Health and Genetics/Laboratory Corporation of America, LabCorp); PubMed 30256826 (cited by Women's Health and Genetics/Laboratory Corporation of America, LabCorp); PubMed 30516811 (cited by Women's Health and Genetics/Laboratory Corporation of America, LabCorp); PubMed 30675318 (cited by Women's Health and Genetics/Laboratory Corporation of America, LabCorp); PubMed 30306255 (cited by Women's Health and Genetics/Laboratory Corporation of America, LabCorp); PubMed 18809580 (cited by Women's Health and Genetics/Laboratory Corporation of America, LabCorp and Illumina Laboratory Services, Illumina); PubMed 29973595 (cited by Women's Health and Genetics/Laboratory Corporation of America, LabCorp); PubMed 8298653 (cited by 3 submitters); PubMed 24728327 (cited by ITMI).